The following is an entry in ClinVar:

NM_000059.4(BRCA2):c.5825T>C (p.Val1942Ala)

Gene: BRCA2 (BRCA2 DNA repair associated; plus strand). Cytogenetic location: 13q13.1.
Variant type: single nucleotide variant.
Coding change: c.5825T>C on transcript NM_000059.4 (MANE Select); coding-DNA position 5825, T replaced by C.
Protein change: p.Val1942Ala; replaces valine 1942 with alanine.
Molecular consequence: missense variant. On other transcripts: non-coding transcript variant (1), intron variant (2).
Genome position (GRCh38, 1-based): chr13:32,340,180, T>C. VCF-style: chr13-32340180-T-C. GRCh37 (hg19) VCF-style: chr13-32914317-T-C.
Other names: c.5825T>C, p.Val1942Ala (NM_001406719.1, NM_001406720.1); c.1910-4378T>C (NM_001406721.1); c.425-4378T>C (NM_001406722.1); short protein forms V1942A.
Identifiers: ClinVar variation 2451506 (VCV002451506.7), dbSNP rs2072539383, ClinGen allele CA387787305.

ClinVar aggregate classification (germline): Uncertain significance. Review status: criteria provided, multiple submitters, no conflicts (2 of 4 stars). 3 submissions from 3 submitters: Uncertain significance (3). Last evaluated 2023-06-06.

Conditions:
Hereditary cancer-predisposing syndrome. Also called: Hereditary neoplastic syndrome; Tumor predisposition; Neoplastic Syndromes, Hereditary; Hereditary Cancer Syndrome. Identifiers: Orphanet 140162, MedGen C0027672, MeSH D009386, MONDO:0015356.
Hereditary breast ovarian cancer syndrome. Also called: Hereditary breast and ovarian cancer; BRCA1- and BRCA2-Associated Hereditary Breast and Ovarian Cancer; Hereditary breast and/or ovarian cancer syndrome; Hereditary breast and ovarian cancer syndrome (HBOC); Breast and ovarian cancer; Hereditary breast and ovarian cancer syndrome. Identifiers: Orphanet 145, MedGen C0677776, MeSH D061325, MONDO:0003582. Disease mechanism: loss of function.
Breast-ovarian cancer, familial, susceptibility to, 2 (BROVCA2). Also called: BRCA2 Hereditary Breast and Ovarian Cancer. Identifiers: Orphanet 145, MedGen C2675520, MONDO:0012933, OMIM 612555. Disease mechanism: loss of function.

Submissions (3):

KCCC/NGS Laboratory, Kuwait Cancer Control Center
Classification: Uncertain significance for Breast-ovarian cancer, familial, susceptibility to, 2. Last evaluated: 2023-06-06. Review status: criteria provided, single submitter. Criteria: ACMG Guidelines, 2015. Collection method: clinical testing. Allele origin: germline. Affected: yes.
Comment: This sequence change replaces valine with alanine at codon 1942 in exon 11 of the BRCA2 protein . The valine residue is weakly conserved and there is little physicochemical difference between valine and alanine. This variant is not present in population databases. This variant has not been reported in the literature in individuals with BRCA2-related conditions. In-silico predictions show benign computational verdict based on 8 benign predictions from BayesDel_addAF, DANN, EIGEN, FATHMM-MKL, MVP, MutationTaster, PrimateAI and SIFT vs 1 pathogenic prediction from M-CAP and the position is not strongly conserved. These predictions have not been confirmed by published functional studies and their clinical significance is uncertain. Therefore, it has been classified as a Variant of Uncertain Significance.

Labcorp Genetics (formerly Invitae), Labcorp
Classification: Uncertain significance for Hereditary breast ovarian cancer syndrome. Last evaluated: 2022-12-10. Review status: criteria provided, single submitter. Criteria: Invitae Variant Classification Sherloc (09022015). Collection method: clinical testing. Allele origin: germline.
Comment: This variant has not been reported in the literature in individuals affected with BRCA2-related conditions. This sequence change replaces valine, which is neutral and non-polar, with alanine, which is neutral and non-polar, at codon 1942 of the BRCA2 protein (p.Val1942Ala). This variant is not present in population databases (gnomAD no frequency). Advanced modeling of protein sequence and biophysical properties (such as structural, functional, and spatial information, amino acid conservation, physicochemical variation, residue mobility, and thermodynamic stability) performed at Invitae indicates that this missense variant is not expected to disrupt BRCA2 protein function. In summary, the available evidence is currently insufficient to determine the role of this variant in disease. Therefore, it has been classified as a Variant of Uncertain Significance.

Ambry Genetics
Classification: Uncertain significance for Hereditary cancer-predisposing syndrome. Last evaluated: 2022-12-05. Review status: criteria provided, single submitter. Criteria: Ambry Variant Classification Scheme 2023. Collection method: clinical testing. Allele origin: germline.
Comment: The p.V1942A variant (also known as c.5825T>C), located in coding exon 10 of the BRCA2 gene, results from a T to C substitution at nucleotide position 5825. The valine at codon 1942 is replaced by alanine, an amino acid with similar properties. This amino acid position is conserved. In addition, this alteration is predicted to be tolerated by in silico analysis. Since supporting evidence is limited at this time, the clinical significance of this alteration remains unclear.